The following is an entry in ClinVar:

NM_001364171.2(ODAD1):c.856G>A (p.Gly286Arg)

Gene: ODAD1 (outer dynein arm docking complex subunit 1; minus strand). Cytogenetic location: 19q13.33.
Variant type: single nucleotide variant.
Coding change: c.856G>A on transcript NM_001364171.2 (MANE Select); coding-DNA position 856, G replaced by A.
Protein change: p.Gly286Arg; replaces glycine 286 with arginine.
Molecular consequence: missense variant.
Genome position (GRCh38, 1-based): chr19:48,303,782, C>T on the plus strand (G>A on the coding strand, the complement: ODAD1 is on the minus strand). VCF-style: chr19-48303782-C-T. GRCh37 (hg19) VCF-style: chr19-48807039-C-T.
Other names: c.745G>A, p.Gly249Arg (NM_144577.4); short protein forms G249R, G286R.
Identifiers: ClinVar variation 262505 (VCV000262505.23), dbSNP rs73942222, ClinGen allele CA9548923.

ClinVar aggregate classification (germline): Benign/Likely benign. Review status: criteria provided, multiple submitters, no conflicts (2 of 4 stars). 9 submissions from 9 submitters: Benign (3); Likely benign (4). 2 of the submissions do not count toward it. Last evaluated 2026-03-01.

Conditions:
Primary ciliary dyskinesia. Also called: Ciliary dyskinesia. Identifiers: Orphanet 244, MedGen C0008780, MONDO:0016575, HP:0012265.

Allele frequency attached by ClinVar (database versions not stated): ExAC 0.00174; gnomAD 0.00396 and 0.00411; ESP Exome Variant Server 0.00454; TOPMed 0.00496; 1000 Genomes Project 0.00519; 1000 Genomes Project 30x 0.00578.
gnomAD v4.1: 1,824 of 1,606,834 alleles (0.11%); highest among the groups gnomAD compares: African/African-American, 1.1%; 9 homozygotes.

Submissions (9):

CeGaT Center for Human Genetics Tuebingen
Classification: Likely benign. Last evaluated: 2026-03-01. Review status: criteria provided, single submitter. Criteria: CeGaT Center For Human Genetics Tuebingen Variant Classification Criteria Version 2. Collection method: clinical testing. Allele origin: germline. Affected: yes. Observed: 1 variant allele.
Comment: ODAD1: PP3, BS1

Labcorp Genetics (formerly Invitae), Labcorp
Classification: Benign for Primary ciliary dyskinesia. Last evaluated: 2026-01-26. Review status: criteria provided, single submitter. Criteria: Invitae Variant Classification Sherloc (09022015). Collection method: clinical testing. Allele origin: germline.

Blueprint Genetics
Classification: Likely benign. Last evaluated: 2024-11-25. Review status: criteria provided, single submitter. Criteria: ACMG Guidelines, 2015. Collection method: clinical testing. Allele origin: germline.

GeneDx
Classification: Likely benign. Last evaluated: 2021-02-03. Review status: criteria provided, single submitter. Criteria: GeneDx Variant Classification Process June 2021. Collection method: clinical testing. Allele origin: germline. Affected: yes.

Ambry Genetics
Classification: Benign for Primary ciliary dyskinesia. Last evaluated: 2017-04-04. Review status: criteria provided, single submitter. Criteria: Ambry Variant Classification Scheme 2023. Collection method: clinical testing. Allele origin: germline.

Breakthrough Genomics
Classification: Likely benign. Review status: criteria provided, single submitter. Criteria: ACMG Guidelines, 2015. Collection method: not provided. Allele origin: germline. Inheritance: Autosomal recessive inheritance. Affected: yes.

PreventionGenetics, part of Exact Sciences
Classification: Benign. Review status: criteria provided, single submitter. Criteria: ACMG Guidelines, 2015. Collection method: clinical testing. Allele origin: germline.

Clinical Genetics DNA and cytogenetics Diagnostics Lab, Erasmus MC, Erasmus Medical Center
Classification: Benign. Review status: no assertion criteria provided. Collection method: clinical testing. Allele origin: germline. Affected: yes. Study: VKGL Data-share Consensus. Not counted in ClinVar's aggregate classification.

Laboratory of Diagnostic Genome Analysis, Leiden University Medical Center (LUMC)
Classification: Likely benign. Review status: no assertion criteria provided. Collection method: clinical testing. Allele origin: germline. Affected: yes. Study: VKGL Data-share Consensus. Not counted in ClinVar's aggregate classification.